The following is an entry in ClinVar:

NM_002473.6(MYH9):c.5498C>T (p.Ala1833Val)

Gene: MYH9 (myosin heavy chain 9; minus strand). Cytogenetic location: 22q12.3.
Variant type: single nucleotide variant.
Coding change: c.5498C>T on transcript NM_002473.6 (MANE Select); coding-DNA position 5498, C replaced by T.
Protein change: p.Ala1833Val; replaces alanine 1833 with valine.
Molecular consequence: missense variant.
Genome position (GRCh38, 1-based): chr22:36,284,497, G>A on the plus strand (C>T on the coding strand, the complement: MYH9 is on the minus strand). VCF-style: chr22-36284497-G-A. GRCh37 (hg19) VCF-style: chr22-36680543-G-A.
Other names: short protein forms A1833V.
Identifiers: ClinVar variation 3003422 (VCV003003422.3), dbSNP rs1733890216, ClinGen allele CA411373038.

ClinVar aggregate classification (germline): Uncertain significance (1 of 4 stars; one submission).

Allele frequency attached by ClinVar (database versions not stated): gnomAD exomes below 0.00001; TOPMed below 0.00001; gnomAD 0.00001.
gnomAD v4.1: 3 of 1,612,448 alleles (0.00019%); highest among the groups gnomAD compares: African/African-American, 0.0027%; no homozygotes.

Submission:

Labcorp Genetics (formerly Invitae), Labcorp
Classification: Uncertain significance. Last evaluated: 2022-12-25. Review status: criteria provided, single submitter. Criteria: Invitae Variant Classification Sherloc (09022015). Collection method: clinical testing. Allele origin: germline.
Comment: This variant has not been reported in the literature in individuals affected with MYH9-related conditions. In summary, the available evidence is currently insufficient to determine the role of this variant in disease. Therefore, it has been classified as a Variant of Uncertain Significance. Advanced modeling of protein sequence and biophysical properties (such as structural, functional, and spatial information, amino acid conservation, physicochemical variation, residue mobility, and thermodynamic stability) performed at Invitae indicates that this missense variant is not expected to disrupt MYH9 protein function. This variant is not present in population databases (gnomAD no frequency). This sequence change replaces alanine, which is neutral and non-polar, with valine, which is neutral and non-polar, at codon 1833 of the MYH9 protein (p.Ala1833Val).